The following is an entry in ClinVar:

ClinVar aggregate classification (germline): Uncertain significance (1 of 4 stars; one submission).

Conditions:
Charcot-Marie-Tooth disease type 4. Also called: Charcot-Marie-Tooth disease, type IV; Charcot-Marie-Tooth, Type 4. Identifiers: Orphanet 64749, MedGen C4082197, MONDO:0018995.

Allele frequency attached by ClinVar (database versions not stated): TOPMed below 0.00001; gnomAD exomes 0.00002.
gnomAD v4.1: 31 of 1,614,006 alleles (0.0019%); highest among the groups gnomAD compares: Non-Finnish European, 0.0024%; no homozygotes.

Submission:

Labcorp Genetics (formerly Invitae), Labcorp
Classification: Uncertain significance for Charcot-Marie-Tooth disease type 4. Last evaluated: 2022-08-09. Review status: criteria provided, single submitter. Criteria: Invitae Variant Classification Sherloc (09022015). Collection method: clinical testing. Allele origin: germline.
Comment: This sequence change replaces serine, which is neutral and polar, with arginine, which is basic and polar, at codon 381 of the PRX protein (p.Ser381Arg). This variant is not present in population databases (gnomAD no frequency). This variant has not been reported in the literature in individuals affected with PRX-related conditions. ClinVar contains an entry for this variant (Variation ID: 476948). Algorithms developed to predict the effect of missense changes on protein structure and function (SIFT, PolyPhen-2, Align-GVGD) all suggest that this variant is likely to be tolerated. In summary, the available evidence is currently insufficient to determine the role of this variant in disease. Therefore, it has been classified as a Variant of Uncertain Significance.

NM_181882.3(PRX):c.1141A>C (p.Ser381Arg)

Gene: PRX (periaxin; minus strand). Cytogenetic location: 19q13.2.
Variant type: single nucleotide variant.
Coding change: c.1141A>C on transcript NM_181882.3 (MANE Select); coding-DNA position 1141, A replaced by C.
Protein change: p.Ser381Arg; replaces serine 381 with arginine.
Molecular consequence: missense variant. On other transcripts: 3 prime UTR variant (1).
Genome position (GRCh38, 1-based): chr19:40,397,211, T>G on the plus strand (A>C on the coding strand, the complement: PRX is on the minus strand). VCF-style: chr19-40397211-T-G. GRCh37 (hg19) VCF-style: chr19-40903118-T-G.
Other names: c.*1346A>C (NM_020956.2); short protein forms S381R.
Identifiers: ClinVar variation 476948 (VCV000476948.9), dbSNP rs1049349860, ClinGen allele CA308421105.